The following is an entry in ClinVar:

NM_000088.4(COL1A1):c.3169G>A (p.Val1057Ile)

Gene: COL1A1 (collagen type I alpha 1 chain; minus strand). Cytogenetic location: 17q21.33.
Variant type: single nucleotide variant.
Coding change: c.3169G>A on transcript NM_000088.4 (MANE Select); coding-DNA position 3169, G replaced by A.
Protein change: p.Val1057Ile; replaces valine 1057 with isoleucine.
Molecular consequence: missense variant.
Genome position (GRCh38, 1-based): chr17:50,188,568, C>T on the plus strand (G>A on the coding strand, the complement: COL1A1 is on the minus strand). VCF-style: chr17-50188568-C-T. GRCh37 (hg19) VCF-style: chr17-48265929-C-T.
Other names: short protein forms V1057I.
Identifiers: ClinVar variation 324103 (VCV000324103.20), dbSNP rs575285203, ClinGen allele CA8644548.
Genomic context (GRCh38, chr17:50,188,568, plus strand): 5'-GAACTGGAGCCCAGCTACTTACAGTCTCACCACGATCACCACTCTTGCCAGCAGGGCCAA[C>T]GGGGCCAGGGGCACCAGGAGCACCAGGAGCACCAGGGGGTCCAGCGGGGCCGGTCTCACC-3'
Protein context (NP_000079.2, residues 1047-1067): APGAPGAPGP[Val1057Ile]GPAGKSGDRG

ClinVar aggregate classification (germline): Conflicting classifications of pathogenicity. Review status: criteria provided, conflicting classifications (1 of 4 stars). 8 submissions from 6 submitters: Uncertain significance (2); Benign (1); Likely benign (5). Last evaluated 2026-01-20.

Conditions:
Infantile cortical hyperostosis. Also called: Hyperostosis, Cortical, Congenital; Caffey Disease; P1PK BLOOD GROUP SYSTEM, P(2) PHENOTYPE. Identifiers: Orphanet 1310, MedGen C0020497, MONDO:0007244, OMIM 114000.
Osteogenesis imperfecta (OI). Identifiers: Orphanet 666, MedGen C0029434, MeSH D010013, MONDO:0019019.
Osteogenesis imperfecta type I (OI1). Also called: OI, TYPE I; OSTEOGENESIS IMPERFECTA TARDA; OSTEOGENESIS IMPERFECTA WITH BLUE SCLERAE; Lobstein's Disease; Osteogenesis imperfecta type 1; Lobstein disease. Identifiers: Orphanet 216796, Orphanet 666, MedGen C0023931, MONDO:0008146, OMIM 166200. Disease mechanism: loss of function.
Osteogenesis imperfecta with normal sclerae, dominant form (OI4). Also called: OSTEOGENESIS IMPERFECTA WITH NORMAL SCLERAE; Osteogenesis imperfecta type 4; Osteogenesis Imperfecta Type IV; OSTEOGENESIS IMPERFECTA, TYPE IV, WITH DENTINOGENESIS IMPERFECTA; Common Variable Osteogenesis Imperfecta with Normal Sclerae. Identifiers: Orphanet 216820, Orphanet 666, MedGen C0268363, MONDO:0008148, OMIM 166220.
Postmenopausal osteoporosis. Also called: OSTEOPOROSIS, INVOLUTIONAL; BONE MINERAL DENSITY QUANTITATIVE TRAIT LOCUS. Identifiers: MedGen C0029458, MONDO:0008159.
Osteogenesis imperfecta, perinatal lethal (OI2). Also called: OSTEOGENESIS IMPERFECTA, TYPE II; OI, TYPE II; OSTEOGENESIS IMPERFECTA CONGENITA; VROLIK TYPE OF OSTEOGENESIS IMPERFECTA; Osteogenesis imperfecta type 2; Osteogenesis imperfecta, dominant perinatal lethal. Identifiers: Orphanet 216804, MedGen C0268358, MONDO:0008147, OMIM 166210.
Osteogenesis imperfecta type III (OI3). Also called: Osteogenesis imperfecta type 3; OI type 3; Osteogenesis imperfecta, progressively deforming with normal sclerae; OI type III; Progressively Deforming Osteogenesis Imperfecta. Identifiers: Orphanet 216812, Orphanet 666, MedGen C0268362, MONDO:0009804, OMIM 259420.
Ehlers-Danlos syndrome, arthrochalasia type. Also called: Ehlers-Danlos syndrome, arthrochalasis type; ARTHROCHALASIS MULTIPLEX CONGENITA; EDS VII, MUTANT PROCOLLAGEN TYPE; EDS VIIA; Ehlers-Danlos syndrome, arthrochalasia type, 1. Identifiers: Orphanet 1899, Orphanet 99875, Orphanet 99876, MedGen C4551623, MONDO:0007525, OMIM 130060.
COL1A1-related disorder. Also called: COL1A1-related condition; COL1A1- related disease.

Allele frequency attached by ClinVar (database versions not stated): ExAC 0.00006; TOPMed 0.00007; gnomAD exomes 0.00008; 1000 Genomes Project 30x 0.00016; 1000 Genomes Project 0.00020.
gnomAD v4.1: 80 of 1,613,944 alleles (0.005%); highest among the groups gnomAD compares: Middle Eastern, 0.016%; no homozygotes.

Submissions (8):

PreventionGenetics, part of Exact Sciences
Classification: Likely benign for COL1A1-related condition. Last evaluated: 2026-01-20. Review status: criteria provided, single submitter. Criteria: ACMG Guidelines, 2015. Collection method: clinical testing. Allele origin: germline.
Comment: This variant is classified as likely benign based on ACMG/AMP sequence variant interpretation guidelines (Richards et al. 2015 PMID: 25741868, with internal and published modifications).

Labcorp Genetics (formerly Invitae), Labcorp
Classification: Likely benign for Osteogenesis imperfecta type I. Last evaluated: 2025-12-01. Review status: criteria provided, single submitter. Criteria: Invitae Variant Classification Sherloc (09022015). Collection method: clinical testing. Allele origin: germline.

Women's Health and Genetics/Laboratory Corporation of America, LabCorp
Classification: Likely benign. Last evaluated: 2025-12-01. Review status: criteria provided, single submitter. Criteria: LabCorp Variant Classification Summary - May 2015. Collection method: clinical testing. Allele origin: germline.
Comment: Variant summary: COL1A1 c.3169G>A (p.Val1057Ile) results in a conservative amino acid change in the encoded protein sequence. Algorithms developed to predict the effect of missense changes on protein structure and function are either unavailable or do not agree on the potential impact of this missense change. The variant allele was found at a frequency of 8e-05 in 250254 control chromosomes. The observed variant frequency exceeds the estimated maximal expected allele frequency for disease-causing variants in COL1A1. To our knowledge, no occurrence of c.3169G>A in individuals affected with COL1A1-related conditions and no experimental evidence demonstrating its impact on protein function have been reported. ClinVar contains an entry for this variant (Variation ID: 324103). Based on the evidence outlined above, the variant was classified as likely benign.

Fulgent Genetics
Classification: Uncertain significance for Infantile cortical hyperostosis; Ehlers-Danlos syndrome, arthrochalasia type; Osteogenesis imperfecta type I; Osteogenesis imperfecta, perinatal lethal; Osteogenesis imperfecta with normal sclerae, dominant form; Osteoporosis; Osteogenesis imperfecta type III. Last evaluated: 2018-10-31. Review status: criteria provided, single submitter. Criteria: ACMG Guidelines, 2015. Collection method: clinical testing. Allele origin: unknown.

GeneDx
Classification: Likely benign. Last evaluated: 2018-06-06. Review status: criteria provided, single submitter. Criteria: GeneDx Variant Classification (06012015). Collection method: clinical testing. Allele origin: germline. Affected: yes.
Comment: This variant is considered likely benign or benign based on one or more of the following criteria: it is a conservative change, it occurs at a poorly conserved position in the protein, it is predicted to be benign by multiple in silico algorithms, and/or has population frequency not consistent with disease.

Illumina Laboratory Services, Illumina
Classification: Benign for Ehlers-Danlos syndrome, arthrochalasia type. Last evaluated: 2018-01-13. Review status: criteria provided, single submitter. Criteria: ICSL Variant Classification Criteria 13 December 2019. Collection method: clinical testing. Allele origin: germline.
Comment: This variant was observed in the ICSL laboratory as part of a predisposition screen in an ostensibly healthy population. It had not been previously curated by ICSL or reported in the Human Gene Mutation Database (HGMD: prior to June 1st, 2018), and was therefore a candidate for classification through an automated scoring system. Utilizing variant allele frequency, disease prevalence and penetrance estimates, and inheritance mode, an automated score was calculated to assess if this variant is too frequent to cause the disease. Based on the score and internal cut-off values, a variant classified as benign is not then subjected to further curation. The score for this variant resulted in a classification of benign for this disease.

Illumina Laboratory Services, Illumina
Classification: Uncertain significance for Infantile cortical hyperostosis. Last evaluated: 2018-01-13. Review status: criteria provided, single submitter. Criteria: ICSL Variant Classification Criteria 13 December 2019. Collection method: clinical testing. Allele origin: germline.

Illumina Laboratory Services, Illumina
Classification: Likely benign for Osteogenesis imperfecta. Last evaluated: 2018-01-13. Review status: criteria provided, single submitter. Criteria: ICSL Variant Classification Criteria 13 December 2019. Collection method: clinical testing. Allele origin: germline.
Comment: This variant was observed in the ICSL laboratory as part of a predisposition screen in an ostensibly healthy population. It had not been previously curated by ICSL or reported in the Human Gene Mutation Database (HGMD: prior to June 1st, 2018), and was therefore a candidate for classification through an automated scoring system. Utilizing variant allele frequency, disease prevalence and penetrance estimates, and inheritance mode, an automated score was calculated to assess if this variant is too frequent to cause the disease. Based on the score and internal cut-off values, a variant classified as likely benign is not then subjected to further curation. The score for this variant resulted in a classification of likely benign for this disease.